The following is an entry in ClinVar:

ClinVar aggregate classification (germline): Conflicting classifications of pathogenicity. Review status: criteria provided, conflicting classifications (1 of 4 stars). 2 submissions from 2 submitters: Uncertain significance (1); Likely benign (1). Last evaluated 2024-04-07.

Conditions:
Koolen-de Vries syndrome (KDVS). Identifiers: Orphanet 96169, MedGen C1864871, MONDO:0012496, OMIM 610443.

gnomAD v4.1: 1 of 1,557,192 alleles (0.000064%); highest among the groups gnomAD compares: Admixed American, 0.0021%; no homozygotes.

Submissions (2):

Fulgent Genetics
Classification: Uncertain significance for Koolen-de Vries syndrome. Last evaluated: 2024-04-07. Review status: criteria provided, single submitter. Criteria: ACMG Guidelines, 2015. Collection method: clinical testing. Allele origin: germline.

GeneDx
Classification: Likely benign. Last evaluated: 2015-08-04. Review status: criteria provided, single submitter. Criteria: GeneDx Variant Classification (06012015). Collection method: clinical testing. Allele origin: germline. Affected: yes.
Comment: This variant is considered likely benign or benign based on one or more of the following criteria: it is a conservative change, it occurs at a poorly conserved position in the protein, it is predicted to be benign by multiple in silico algorithms, and/or has population frequency not consistent with disease.

NM_015443.4(KANSL1):c.500A>C (p.His167Pro)

Gene: KANSL1 (KAT8 regulatory NSL complex subunit 1). Cytogenetic location: 17q21.31.
Variant type: single nucleotide variant.
Coding change: c.500A>C on transcript NM_015443.4 (MANE Select); coding-DNA position 500, A replaced by C.
Protein change: p.His167Pro; replaces histidine 167 with proline.
Molecular consequence: missense variant.
Genome position (GRCh38, 1-based): chr17:46,171,644, T>G on the plus strand (A>C on the coding strand, the complement: KANSL1 is on the minus strand). VCF-style: chr17-46171644-T-G. GRCh37 (hg19) VCF-style: chr17-44249010-T-G.
Other names: c.500A>C, p.His167Pro (NM_001193465.2, NM_001193466.2, NM_001379198.1); short protein forms H167P.
Identifiers: ClinVar variation 380345 (VCV000380345.2), dbSNP rs779594202, ClinGen allele CA16608504.
Genomic context (GRCh38, chr17:46,171,644, plus strand): 5'-GCAGATGAAGTGAGAGCCCGTTTTCCCCCATTGAGGGAAGTGGAATTGTCATGATCAGAA[T>G]GTGTTGAACTTTTAGTCAATTTCTTAGCCAACCCATTTACAGGTGCTTGTGGCAGAGCTG-3'
Protein context (NP_056258.1, residues 157-177): LAKKLTKSST[His167Pro]SDHDNSTSLN